The following is an entry in ClinVar:

ClinVar aggregate classification (germline): Uncertain significance (1 of 4 stars; one submission).

Conditions:
Hereditary diffuse gastric adenocarcinoma (HDGC). Also called: DIFFUSE GASTRIC AND LOBULAR BREAST CANCER SYNDROME. Identifiers: Orphanet 26106, MedGen C1708349, MONDO:0007648, OMIM 137215.

Allele frequency attached by ClinVar (database versions not stated): gnomAD exomes below 0.00001; ExAC 0.00001.
gnomAD v4.1: 1 of 1,613,730 alleles (0.000062%); highest among the groups gnomAD compares: Non-Finnish European, 0.000085%; no homozygotes.

Submission:

Labcorp Genetics (formerly Invitae), Labcorp
Classification: Uncertain significance for Hereditary diffuse gastric adenocarcinoma. Last evaluated: 2019-10-03. Review status: criteria provided, single submitter. Criteria: Invitae Variant Classification Sherloc (09022015). Collection method: clinical testing. Allele origin: germline.
Comment: This sequence change replaces leucine with phenylalanine at codon 705 of the CDH1 protein (p.Leu705Phe). The leucine residue is moderately conserved and there is a small physicochemical difference between leucine and phenylalanine. This variant is present in population databases (rs759256066, ExAC 0.002%). This variant has not been reported in the literature in individuals with CDH1-related conditions. Algorithms developed to predict the effect of missense changes on protein structure and function (SIFT, PolyPhen-2, Align-GVGD) all suggest that this variant is likely to be tolerated, but these predictions have not been confirmed by published functional studies and their clinical significance is uncertain. In summary, the available evidence is currently insufficient to determine the role of this variant in disease. Therefore, it has been classified as a Variant of Uncertain Significance.

NM_004360.5(CDH1):c.2115G>T (p.Leu705Phe)

Gene: CDH1 (cadherin 1; plus strand). Cytogenetic location: 16q22.1.
Variant type: single nucleotide variant.
Coding change: c.2115G>T on transcript NM_004360.5 (MANE Select); coding-DNA position 2115, G replaced by T.
Protein change: p.Leu705Phe; replaces leucine 705 with phenylalanine.
Molecular consequence: missense variant.
Genome position (GRCh38, 1-based): chr16:68,823,577, G>T. VCF-style: chr16-68823577-G-T. GRCh37 (hg19) VCF-style: chr16-68857480-G-T.
Other names: c.1932G>T, p.Leu644Phe (NM_001317184.2); c.567G>T, p.Leu189Phe (NM_001317185.2); c.150G>T, p.Leu50Phe (NM_001317186.2); short protein forms L189F, L705F, L50F, L644F.
Identifiers: ClinVar variation 965726 (VCV000965726.10), dbSNP rs759256066, ClinGen allele CA8130194.